The following is an entry in ClinVar:

ClinVar aggregate classification (germline): Uncertain significance (1 of 4 stars; one submission).

Conditions:
Familial thoracic aortic aneurysm and aortic dissection (TAAD). Also called: Thoracic aortic aneurysms and dissections. Identifiers: Orphanet 91387, MedGen C4707243, MONDO:0019625.

Allele frequency attached by ClinVar (database versions not stated): gnomAD exomes below 0.00001; TOPMed 0.00001.

Submission:

Ambry Genetics
Classification: Uncertain significance for Familial thoracic aortic aneurysm and aortic dissection. Last evaluated: 2017-12-27. Review status: criteria provided, single submitter. Criteria: Ambry Variant Classification Scheme 2023. Collection method: clinical testing. Allele origin: germline.
Comment: The p.K1071T variant (also known as c.3212A>C), located in coding exon 21 of the FLNA gene, results from an A to C substitution at nucleotide position 3212. The lysine at codon 1071 is replaced by threonine, an amino acid with similar properties. This amino acid position is not well conserved in available vertebrate species. In addition, this alteration is predicted to be tolerated by in silico analysis. Since supporting evidence is limited at this time, the clinical significance of this alteration remains unclear.

NM_001110556.2(FLNA):c.3212A>C (p.Lys1071Thr)

Gene: FLNA (filamin A; minus strand). Cytogenetic location: Xq28.
Variant type: single nucleotide variant.
Coding change: c.3212A>C on transcript NM_001110556.2 (MANE Select); coding-DNA position 3212, A replaced by C.
Protein change: p.Lys1071Thr; replaces lysine 1071 with threonine.
Molecular consequence: missense variant.
Genome position (GRCh38, 1-based): chrX:154,360,583, T>G on the plus strand (A>C on the coding strand, the complement: FLNA is on the minus strand). VCF-style: chrX-154360583-T-G. GRCh37 (hg19) VCF-style: chrX-153588951-T-G.
Other names: c.3212A>C, p.Lys1071Thr (NM_001456.4); short protein forms K1071T.
Identifiers: ClinVar variation 1728949 (VCV001728949.2), dbSNP rs2067698642, ClinGen allele CA415229518.